The following is an entry in ClinVar:

ClinVar aggregate classification (germline): Conflicting classifications of pathogenicity. Review status: criteria provided, conflicting classifications (1 of 4 stars). 3 submissions from 3 submitters: Uncertain significance (2); Benign (1). Last evaluated 2025-08-18.

Conditions:
Hereditary cancer-predisposing syndrome. Also called: Tumor predisposition; Neoplastic Syndromes, Hereditary; Hereditary Cancer Syndrome; Hereditary neoplastic syndrome. Identifiers: Orphanet 140162, MedGen C0027672, MeSH D009386, MONDO:0015356.
Familial adenomatous polyposis 2. Also called: COLORECTAL ADENOMATOUS POLYPOSIS, AUTOSOMAL RECESSIVE; ADENOMAS, MULTIPLE COLORECTAL, AUTOSOMAL RECESSIVE; MYH-associated polyposis; MUTYH Polyposis; Adenomas, multiple colorectal; MUTYH-associated polyposis. Identifiers: Orphanet 220460, Orphanet 247798, MedGen C3272841, MONDO:0012041, OMIM 608456.

Submissions (3):

Ambry Genetics
Classification: Benign for Hereditary cancer-predisposing syndrome. Last evaluated: 2025-08-18. Review status: criteria provided, single submitter. Criteria: Ambry Variant Classification Scheme 2023. Collection method: clinical testing. Allele origin: germline.

Color Diagnostics, LLC DBA Color Health
Classification: Uncertain significance for Hereditary cancer-predisposing syndrome. Last evaluated: 2025-07-20. Review status: criteria provided, single submitter. Criteria: ACMG Guidelines, 2015. Collection method: clinical testing. Allele origin: germline.
Comment: This missense variant replaces asparagine with aspartic acid at codon 335 of the MUTYH protein. Computational prediction suggests that this variant may not impact protein structure and function. To our knowledge, functional studies have not been reported for this variant. This variant has not been reported in individuals affected with MUTYH-related disorders in the literature. This variant has not been identified in the general population by the Genome Aggregation Database (gnomAD). The available evidence is insufficient to determine the role of this variant in disease conclusively. Therefore, this variant is classified as a Variant of Uncertain Significance.

Labcorp Genetics (formerly Invitae), Labcorp
Classification: Uncertain significance for Familial adenomatous polyposis 2. Last evaluated: 2022-08-14. Review status: criteria provided, single submitter. Criteria: Invitae Variant Classification Sherloc (09022015). Collection method: clinical testing. Allele origin: germline.
Comment: In summary, the available evidence is currently insufficient to determine the role of this variant in disease. Therefore, it has been classified as a Variant of Uncertain Significance. Algorithms developed to predict the effect of missense changes on protein structure and function (SIFT, PolyPhen-2, Align-GVGD) all suggest that this variant is likely to be tolerated. ClinVar contains an entry for this variant (Variation ID: 656859). This variant has not been reported in the literature in individuals affected with MUTYH-related conditions. This variant is not present in population databases (gnomAD no frequency). This sequence change replaces asparagine, which is neutral and polar, with aspartic acid, which is acidic and polar, at codon 335 of the MUTYH protein (p.Asn335Asp).

Literature cited by the submitters: PubMed 40738107 (cited by Ambry Genetics).

NM_001048174.2(MUTYH):c.919A>G (p.Asn307Asp)

Gene: MUTYH (mutY DNA glycosylase; minus strand). Cytogenetic location: 1p34.1.
Variant type: single nucleotide variant.
Coding change: c.919A>G on transcript NM_001048174.2 (MANE Select); coding-DNA position 919, A replaced by G.
Protein change: p.Asn307Asp; replaces asparagine 307 with aspartic acid.
Molecular consequence: missense variant. On other transcripts: non-coding transcript variant (2).
Genome position (GRCh38, 1-based): chr1:45,331,844, T>C on the plus strand (A>G on the coding strand, the complement: MUTYH is on the minus strand). VCF-style: chr1-45331844-T-C. GRCh37 (hg19) VCF-style: chr1-45797516-T-C.
Other names: c.919A>G, p.Asn307Asp (NM_001048171.2, NM_001048173.2, NM_001293195.2); c.922A>G, p.Asn308Asp (NM_001048172.2); c.1003A>G, p.Asn335Asp (NM_001128425.2); c.964A>G, p.Asn322Asp (NM_001293190.2); c.952A>G, p.Asn318Asp (NM_001293191.2); c.643A>G, p.Asn215Asp (NM_001293192.2, NM_001293196.2); c.574A>G, p.Asn192Asp (NM_001350650.2, NM_001350651.2); c.994A>G, p.Asn332Asp (NM_012222.3); short protein forms N192D, N307D, N318D, N332D, N215D, N308D, N322D, N335D.
Identifiers: ClinVar variation 656859 (VCV000656859.14), dbSNP rs1570388553, ClinGen allele CA340133928.